The following is an entry in ClinVar:

NM_000089.4(COL1A2):c.2977G>C (p.Val993Leu)

Gene: COL1A2 (collagen type I alpha 2 chain; plus strand). Cytogenetic location: 7q21.3.
Variant type: single nucleotide variant.
Coding change: c.2977G>C on transcript NM_000089.4 (MANE Select); coding-DNA position 2977, G replaced by C.
Protein change: p.Val993Leu; replaces valine 993 with leucine.
Molecular consequence: missense variant.
Genome position (GRCh38, 1-based): chr7:94,426,031, G>C. VCF-style: chr7-94426031-G-C. GRCh37 (hg19) VCF-style: chr7-94055343-G-C.
Other names: short protein forms V993L.
Identifiers: ClinVar variation 1043513 (VCV001043513.10), dbSNP rs1792270576, ClinGen allele CA368225005.

ClinVar aggregate classification (germline): Uncertain significance (1 of 4 stars; one submission).

Conditions:
Osteogenesis imperfecta type I (OI1). Also called: OI, TYPE I; OSTEOGENESIS IMPERFECTA TARDA; OSTEOGENESIS IMPERFECTA WITH BLUE SCLERAE; Osteogenesis imperfecta type 1; Classic Non-deforming Osteogenesis Imperfecta with Blue Sclerae; Lobstein's Disease. Identifiers: Orphanet 216796, Orphanet 666, MedGen C0023931, MONDO:0008146, OMIM 166200. Disease mechanism: loss of function.
Ehlers-Danlos syndrome, classic type, 1 (EDSCL1). Also called: EHLERS-DANLOS SYNDROME, GRAVIS TYPE; EHLERS-DANLOS SYNDROME, SEVERE CLASSIC TYPE; EDS I; Ehlers-Danlos Syndrome, Classic Type, COL5A1-Related; Ehlers-Danlos syndrome, type 1. Identifiers: MedGen C0268335, MONDO:0019567, OMIM 130000.

Allele frequency attached by ClinVar (database versions not stated): gnomAD exomes below 0.00001.
gnomAD v4.1: 1 of 1,614,110 alleles (0.000062%); highest among the groups gnomAD compares: South Asian, 0.0011%; no homozygotes.

Submission:

Labcorp Genetics (formerly Invitae), Labcorp
Classification: Uncertain significance for Osteogenesis imperfecta type I; Ehlers-Danlos syndrome, classic type, 1. Last evaluated: 2020-04-14. Review status: criteria provided, single submitter. Criteria: Invitae Variant Classification Sherloc (09022015). Collection method: clinical testing. Allele origin: germline.
Comment: This sequence change replaces valine with leucine at codon 993 of the COL1A2 protein (p.Val993Leu). The valine residue is moderately conserved and there is a small physicochemical difference between valine and leucine. This variant is not present in population databases (ExAC no frequency). This variant has not been reported in the literature in individuals with COL1A2-related conditions. Algorithms developed to predict the effect of missense changes on protein structure and function are either unavailable or do not agree on the potential impact of this missense change (SIFT: "Tolerated"; PolyPhen-2: "Not Available"; Align-GVGD: "Class C0"). In summary, the available evidence is currently insufficient to determine the role of this variant in disease. Therefore, it has been classified as a Variant of Uncertain Significance.